The following is an entry in ClinVar:

NM_001080517.3(SETD5):c.810G>C (p.Gln270His)

Gene: SETD5 (SET domain containing 5; plus strand). Cytogenetic location: 3p25.3.
Variant type: single nucleotide variant.
Coding change: c.810G>C on transcript NM_001080517.3 (MANE Select); coding-DNA position 810, G replaced by C.
Protein change: p.Gln270His; replaces glutamine 270 with histidine.
Molecular consequence: missense variant.
Genome position (GRCh38, 1-based): chr3:9,440,698, G>C. VCF-style: chr3-9440698-G-C. GRCh37 (hg19) VCF-style: chr3-9482382-G-C.
Other names: c.516G>C, p.Gln172His (NM_001292043.2, NM_001349451.2); short protein forms Q172H, Q270H.
Identifiers: ClinVar variation 3906320 (VCV003906320.1).

ClinVar aggregate classification (germline): Uncertain significance (1 of 4 stars; one submission).

Submission:

GeneDx
Classification: Uncertain significance. Last evaluated: 2024-12-18. Review status: criteria provided, single submitter. Criteria: GeneDx Variant Classification Process June 2021. Collection method: clinical testing. Allele origin: germline. Affected: yes.
Comment: Not observed at significant frequency in large population cohorts (gnomAD); In silico analysis supports that this missense variant has a deleterious effect on protein structure/function; In silico analysis is inconclusive as to whether the variant alters gene splicing. In the absence of RNA/functional studies, the actual effect of this sequence change is unknown.; Has not been previously published as pathogenic or benign to our knowledge